The following is an entry in ClinVar:

NM_000218.3(KCNQ1):c.570G>T (p.Arg190=)

Gene: KCNQ1 (potassium voltage-gated channel subfamily Q member 1; plus strand). Cytogenetic location: 11p15.5.
Variant type: single nucleotide variant.
Coding change: c.570G>T on transcript NM_000218.3 (MANE Select); coding-DNA position 570, G replaced by T.
Protein change: p.Arg190=; no amino-acid change (arginine 190 retained).
Molecular consequence: synonymous variant. On other transcripts: intron variant (1).
Genome position (GRCh38, 1-based): chr11:2,570,720, G>T. VCF-style: chr11-2570720-G-T. GRCh37 (hg19) VCF-style: chr11-2591950-G-T.
Other names: c.570G>T, p.Arg190= (NM_001406836.1); c.300G>T, p.Arg100= (NM_001406837.1); c.189G>T, p.Arg63= (NM_181798.2); c.478-12715G>T (NM_001406838.1).
Identifiers: ClinVar variation 669280 (VCV000669280.3), dbSNP rs759118145, ClinGen allele CA472037879.

ClinVar aggregate classification (germline): Likely benign (1 of 4 stars; one submission).

Submission:

GeneDx
Classification: Likely benign. Last evaluated: 2018-05-31. Review status: criteria provided, single submitter. Criteria: GeneDx Variant Classification (06012015). Collection method: clinical testing. Allele origin: germline. Affected: yes.
Comment: This variant is considered likely benign or benign based on one or more of the following criteria: it is a conservative change, it occurs at a poorly conserved position in the protein, it is predicted to be benign by multiple in silico algorithms, and/or has population frequency not consistent with disease.